The following is an entry in ClinVar:

ClinVar aggregate classification (germline): Benign/Likely benign. Review status: criteria provided, multiple submitters, no conflicts (2 of 4 stars). 6 submissions from 6 submitters: Benign (2); Likely benign (4). Last evaluated 2025-09-24.

Conditions:
Microcephalic osteodysplastic primordial dwarfism type II (MOPD2). Also called: MOPD II; OSTEODYSPLASTIC PRIMORDIAL DWARFISM, TYPE II; Microcephalic osteodysplastic primordial dwarfism with tooth abnormalities. Identifiers: Orphanet 2637, MedGen C0432246, MONDO:0008872, OMIM 210720.

Allele frequency attached by ClinVar (database versions not stated): gnomAD 0.00002 and 0.00022; TOPMed 0.00003; gnomAD exomes 0.00042 and 0.00076; 1000 Genomes Project 30x 0.00078; 1000 Genomes Project 0.00080; ExAC 0.00089.
gnomAD v4.1: 646 of 1,614,102 alleles (0.04%); highest among the groups gnomAD compares: South Asian, 0.65%; 6 homozygotes.

Submissions (6):

Labcorp Genetics (formerly Invitae), Labcorp
Classification: Benign. Last evaluated: 2025-09-24. Review status: criteria provided, single submitter. Criteria: Invitae Variant Classification Sherloc (09022015). Collection method: clinical testing. Allele origin: germline.

Blueprint Genetics
Classification: Likely benign. Last evaluated: 2024-11-08. Review status: criteria provided, single submitter. Criteria: ACMG Guidelines, 2015. Collection method: clinical testing. Allele origin: germline.

Fulgent Genetics
Classification: Likely benign for Microcephalic osteodysplastic primordial dwarfism type II. Last evaluated: 2021-11-18. Review status: criteria provided, single submitter. Criteria: ACMG Guidelines, 2015. Collection method: clinical testing. Allele origin: unknown.

Illumina Laboratory Services, Illumina
Classification: Benign for Microcephalic osteodysplastic primordial dwarfism type II. Last evaluated: 2018-01-22. Review status: criteria provided, single submitter. Criteria: ICSL Variant Classification Criteria 13 December 2019. Collection method: clinical testing. Allele origin: germline.
Comment: This variant was observed in the ICSL laboratory as part of a predisposition screen in an ostensibly healthy population. It had not been previously curated by ICSL or reported in the Human Gene Mutation Database (HGMD: prior to June 1st, 2018), and was therefore a candidate for classification through an automated scoring system. Utilizing variant allele frequency, disease prevalence and penetrance estimates, and inheritance mode, an automated score was calculated to assess if this variant is too frequent to cause the disease. Based on the score and internal cut-off values, a variant classified as benign is not then subjected to further curation. The score for this variant resulted in a classification of benign for this disease.

Genetic Services Laboratory, University of Chicago
Classification: Likely benign. Last evaluated: 2017-07-11. Review status: criteria provided, single submitter. Criteria: ACMG Guidelines, 2015. Collection method: clinical testing. Allele origin: germline. Affected: no.

Breakthrough Genomics
Classification: Likely benign. Review status: criteria provided, single submitter. Criteria: ACMG Guidelines, 2015. Collection method: not provided. Allele origin: germline. Inheritance: Autosomal recessive inheritance. Affected: yes.

NM_006031.6(PCNT):c.9174G>A (p.Ala3058=)

Gene: PCNT (pericentrin; plus strand). Cytogenetic location: 21q22.3.
Variant type: single nucleotide variant.
Coding change: c.9174G>A on transcript NM_006031.6 (MANE Select); coding-DNA position 9174, G replaced by A.
Protein change: p.Ala3058=; no amino-acid change (alanine 3058 retained).
Molecular consequence: synonymous variant.
Genome position (GRCh38, 1-based): chr21:46,438,238, G>A. VCF-style: chr21-46438238-G-A. GRCh37 (hg19) VCF-style: chr21-47858151-G-A.
Other names: c.8583G>A, p.Ala2861= (NM_001315529.2).
Identifiers: ClinVar variation 159688 (VCV000159688.20), dbSNP rs554275370, ClinGen allele CA251126.